The following is an entry in ClinVar:

ClinVar aggregate classification (germline): Pathogenic (3 of 4 stars; one submission).

Conditions:
Breast-ovarian cancer, familial, susceptibility to, 1 (BROVCA1). Also called: BRCA1 Hereditary Breast and Ovarian Cancer; OVARIAN CANCER, SUSCEPTIBILITY TO. Identifiers: Orphanet 145, MedGen C2676676, MONDO:0011450, OMIM 604370. Disease mechanism: loss of function.

Submission:

Evidence-based Network for the Interpretation of Germline Mutant Alleles (ENIGMA)
Classification: Pathogenic for Breast-ovarian cancer, familial, susceptibility to, 1. Last evaluated: 2017-12-15. Review status: reviewed by expert panel. Criteria: ENIGMA BRCA1/2 Classification Criteria (2017-06-29). Collection method: curation. Allele origin: germline. Study: ENIGMA.
Comment: Variant allele predicted to encode a truncated non-functional protein.

NM_007294.4(BRCA1):c.2128_2129insGA (p.Thr710fs)

Gene: BRCA1 (BRCA1 DNA repair associated; minus strand). Cytogenetic location: 17q21.31.
Variant type: Insertion.
Coding change: c.2128_2129insGA on transcript NM_007294.4 (MANE Select); coding-DNA positions 2128 to 2129, GA inserted.
Protein change: p.Thr710fs; shifts the reading frame from threonine 710.
Molecular consequence: frameshift variant. On other transcripts: intron variant (137).
Genome position: GRCh38 VCF-style: chr17-43093402-G-GTC. GRCh37 (hg19) VCF-style: chr17-41245419-G-GTC.
Other names: c.2128_2129insGA, p.Thr710fs (NM_007294.3, NM_001407581.1, NM_001407582.1 and 31 more transcripts); c.520+1341_520+1342insAG (NM_001408504.1, NM_001408503.1, NM_001408505.1); c.643+1341_643+1342insAG (NM_001408463.1, NM_001408462.1, NM_001408470.1 and 3 more transcripts); c.523+1341_523+1342insAG (NM_001408499.1, NM_001408498.1, NM_001408501.1 and 3 more transcripts); c.671-2371_671-2370insAG (NM_001408422.1, NM_001408418.1, NM_001408423.1 and 2 more transcripts); c.706+1341_706+1342insAG (NM_001408416.1, NM_001408413.1); c.577+1341_577+1342insAG (NM_001408484.1, NM_001408478.1, NM_001408514.1 and 9 more transcripts); c.661+1341_661+1342insAG (NM_001408450.1, NM_001408434.1, NM_001408447.1 and 6 more transcripts); and 41 more; short protein forms T710fs, T663fs, T414fs, T542fs, T643fs, T662fs, T582fs, T598fs.
Identifiers: ClinVar variation 548251 (VCV000548251.2), dbSNP rs1555590415, ClinGen allele CA658824017.